The following is an entry in ClinVar:

NM_177550.5(SLC13A5):c.717-16C>T

Gene: SLC13A5 (solute carrier family 13 member 5; minus strand). Cytogenetic location: 17p13.1.
Variant type: single nucleotide variant.
Coding change: c.717-16C>T on transcript NM_177550.5 (MANE Select); 16 bases into the intron before coding-DNA position 717, C replaced by T.
Molecular consequence: intron variant.
Genome position (GRCh38, 1-based): chr17:6,701,142, G>A on the plus strand (C>T on the coding strand, the complement: SLC13A5 is on the minus strand). VCF-style: chr17-6701142-G-A. GRCh37 (hg19) VCF-style: chr17-6604461-G-A.
Other names: c.588-16C>T (NM_001284510.2); c.666-16C>T (NM_001284509.2); c.717-16C>T (NM_001143838.3).
Identifiers: ClinVar variation 385137 (VCV000385137.9), dbSNP rs558529852, ClinGen allele CA8331620.

ClinVar aggregate classification (germline): Benign. Review status: criteria provided, multiple submitters, no conflicts (2 of 4 stars). 2 submissions from 2 submitters: Benign (2). Last evaluated 2026-01-09.

Conditions:
Developmental and epileptic encephalopathy, 25 (DEE25). Also called: Developmental and epileptic encephalopathy 25, with amelogenesis imperfecta; Epileptic encephalopathy, early infantile, 25, with amelogenesis imperfecta; Epileptic encephalopathy, early infantile, 25. Identifiers: Orphanet 442835, MedGen C4014621, MONDO:0014392, OMIM 615905.

Allele frequency attached by ClinVar (database versions not stated): gnomAD 0.00001 and 0.00034; TOPMed 0.00006; gnomAD exomes 0.00113; ExAC 0.00129; 1000 Genomes Project 30x 0.00234; 1000 Genomes Project 0.00240.
gnomAD v4.1: 845 of 1,613,136 alleles (0.052%); highest among the groups gnomAD compares: South Asian, 0.84%; 13 homozygotes.

Submissions (2):

Labcorp Genetics (formerly Invitae), Labcorp
Classification: Benign for Developmental and epileptic encephalopathy, 25. Last evaluated: 2026-01-09. Review status: criteria provided, single submitter. Criteria: Invitae Variant Classification Sherloc (09022015). Collection method: clinical testing. Allele origin: germline.

GeneDx
Classification: Benign. Last evaluated: 2016-07-11. Review status: criteria provided, single submitter. Criteria: GeneDx Variant Classification (06012015). Collection method: clinical testing. Allele origin: germline. Affected: yes.
Comment: This variant is considered likely benign or benign based on one or more of the following criteria: it is a conservative change, it occurs at a poorly conserved position in the protein, it is predicted to be benign by multiple in silico algorithms, and/or has population frequency not consistent with disease.